The following is an entry in ClinVar:

NM_144997.7(FLCN):c.679A>C (p.Thr227Pro)

Gene: FLCN (folliculin; minus strand). Cytogenetic location: 17p11.2.
Variant type: single nucleotide variant.
Coding change: c.679A>C on transcript NM_144997.7 (MANE Select); coding-DNA position 679, A replaced by C.
Protein change: p.Thr227Pro; replaces threonine 227 with proline.
Molecular consequence: missense variant.
Genome position (GRCh38, 1-based): chr17:17,222,601, T>G on the plus strand (A>C on the coding strand, the complement: FLCN is on the minus strand). VCF-style: chr17-17222601-T-G. GRCh37 (hg19) VCF-style: chr17-17125915-T-G.
Other names: c.733A>C, p.Thr245Pro (NM_001353229.2); c.679A>C, p.Thr227Pro (NM_001353230.2, NM_001353231.2, NM_144606.7); short protein forms T227P, T245P.
Identifiers: ClinVar variation 942766 (VCV000942766.7), dbSNP rs2047127982, ClinGen allele CA398534020.

ClinVar aggregate classification (germline): Uncertain significance (1 of 4 stars; one submission).

Conditions:
Birt-Hogg-Dube syndrome. Also called: Birt Hogg Dubé syndrome. Identifiers: Orphanet 122, MedGen C0346010, MONDO:0800444.

Submission:

Labcorp Genetics (formerly Invitae), Labcorp
Classification: Uncertain significance for Birt-Hogg-Dube syndrome. Last evaluated: 2019-09-01. Review status: criteria provided, single submitter. Criteria: Invitae Variant Classification Sherloc (09022015). Collection method: clinical testing. Allele origin: germline.
Comment: This variant is not present in population databases (ExAC no frequency). In summary, the available evidence is currently insufficient to determine the role of this variant in disease. Therefore, it has been classified as a Variant of Uncertain Significance. Algorithms developed to predict the effect of missense changes on protein structure and function are either unavailable or do not agree on the potential impact of this missense change (SIFT: "Deleterious"; PolyPhen-2: "Probably Damaging"; Align-GVGD: "Class C0"). This variant has not been reported in the literature in individuals with FLCN-related conditions. This sequence change replaces threonine with proline at codon 227 of the FLCN protein (p.Thr227Pro). The threonine residue is moderately conserved and there is a small physicochemical difference between threonine and proline.